The following is an entry in ClinVar:

NM_000257.4(MYH7):c.896A>G (p.Asp299Gly)

Gene: MYH7 (myosin heavy chain 7; minus strand). Cytogenetic location: 14q11.2.
Variant type: single nucleotide variant.
Coding change: c.896A>G on transcript NM_000257.4 (MANE Select); coding-DNA position 896, A replaced by G.
Protein change: p.Asp299Gly; replaces aspartic acid 299 with glycine.
Molecular consequence: missense variant.
Genome position (GRCh38, 1-based): chr14:23,430,663, T>C on the plus strand (A>G on the coding strand, the complement: MYH7 is on the minus strand). VCF-style: chr14-23430663-T-C. GRCh37 (hg19) VCF-style: chr14-23899872-T-C.
Other names: c.896A>G, p.Asp299Gly (NM_001407004.1); short protein forms D299G.
Identifiers: ClinVar variation 2029442 (VCV002029442.4), dbSNP rs2502308951, ClinGen allele CA389051801.

ClinVar aggregate classification (germline): Uncertain significance (1 of 4 stars; one submission).

Conditions:
Hypertrophic cardiomyopathy. Also called: HYPERTROPHIC MYOCARDIOPATHY. Identifiers: Orphanet 217569, MedGen C0007194, MeSH D002312, MONDO:0005045, HP:0001639.

Submission:

Labcorp Genetics (formerly Invitae), Labcorp
Classification: Uncertain significance for Hypertrophic cardiomyopathy. Last evaluated: 2025-12-15. Review status: criteria provided, single submitter. Criteria: Invitae Variant Classification Sherloc (09022015). Collection method: clinical testing. Allele origin: germline.
Comment: This sequence change replaces aspartic acid, which is acidic and polar, with glycine, which is neutral and non-polar, at codon 299 of the MYH7 protein (p.Asp299Gly). This variant is not present in population databases (gnomAD no frequency). This variant has not been reported in the literature in individuals affected with MYH7-related conditions. ClinVar contains an entry for this variant (Variation ID: 2029442). An algorithm developed to predict the effect of missense changes on protein structure and function (PolyPhen-2) suggests that this variant is likely to be tolerated. This variant is found within a region of MYH7 between codons 181 and 937 that contains the majority of the myosin head domain. Missense variants in this region have been shown to be significantly overrepresented in individuals with hypertrophic cardiomyopathy (PMID: 27532257). In summary, the available evidence is currently insufficient to determine the role of this variant in disease. Therefore, it has been classified as a Variant of Uncertain Significance.

Literature cited by the submitters: PubMed 27532257.